The following is an entry in ClinVar:

ClinVar aggregate classification (germline): Uncertain significance. Review status: criteria provided, multiple submitters, no conflicts (2 of 4 stars). 2 submissions from 2 submitters: Uncertain significance (2). Last evaluated 2024-04-23.

Conditions:
Sneddon syndrome (SNDNS). Also called: LIVEDO RETICULARIS AND CEREBROVASCULAR ACCIDENTS; Idiopathic livedo reticularis with systemic involvement. Identifiers: Orphanet 820, MedGen C0282492, MONDO:0008436, OMIM 182410.
Deficiency of adenosine deaminase 2. Also called: Polyarteritis nodosa, childhoood-onset; Adenosine Deaminase 2 Deficiency; VASCULITIS, AUTOINFLAMMATION, IMMUNODEFICIENCY, AND HEMATOLOGIC DEFECTS SYNDROME. Identifiers: Orphanet 404553, MedGen C3887654, MONDO:0014306, OMIM 615688, MONDO:0100317.

Allele frequency attached by ClinVar (database versions not stated): gnomAD exomes 0.00001; ExAC 0.00002; TOPMed 0.00004; gnomAD 0.00005.

Submissions (2):

Fulgent Genetics
Classification: Uncertain significance for Sneddon syndrome; Deficiency of adenosine deaminase 2. Last evaluated: 2024-04-23. Review status: criteria provided, single submitter. Criteria: ACMG Guidelines, 2015. Collection method: clinical testing. Allele origin: germline.

Labcorp Genetics (formerly Invitae), Labcorp
Classification: Uncertain significance for Deficiency of adenosine deaminase 2. Last evaluated: 2023-12-11. Review status: criteria provided, single submitter. Criteria: Invitae Variant Classification Sherloc (09022015). Collection method: clinical testing. Allele origin: germline.
Comment: This sequence change replaces arginine, which is basic and polar, with glutamine, which is neutral and polar, at codon 306 of the ADA2 protein (p.Arg306Gln). This variant is present in population databases (rs768927379, gnomAD 0.005%). This variant has not been reported in the literature in individuals affected with ADA2-related conditions. ClinVar contains an entry for this variant (Variation ID: 1436425). Advanced modeling of protein sequence and biophysical properties (such as structural, functional, and spatial information, amino acid conservation, physicochemical variation, residue mobility, and thermodynamic stability) performed at Invitae indicates that this missense variant is not expected to disrupt ADA2 protein function with a negative predictive value of 95%. In summary, the available evidence is currently insufficient to determine the role of this variant in disease. Therefore, it has been classified as a Variant of Uncertain Significance.

NM_001282225.2(ADA2):c.917G>A (p.Arg306Gln)

Gene: ADA2 (adenosine deaminase 2; minus strand). Cytogenetic location: 22q11.1.
Variant type: single nucleotide variant.
Coding change: c.917G>A on transcript NM_001282225.2 (MANE Select); coding-DNA position 917, G replaced by A.
Protein change: p.Arg306Gln; replaces arginine 306 with glutamine.
Molecular consequence: missense variant.
Genome position (GRCh38, 1-based): chr22:17,189,997, C>T on the plus strand (G>A on the coding strand, the complement: ADA2 is on the minus strand). VCF-style: chr22-17189997-C-T. GRCh37 (hg19) VCF-style: chr22-17670887-C-T.
Other names: c.917G>A, p.Arg306Gln (NM_001282226.2); c.791G>A, p.Arg264Gln (NM_001282227.2, NM_001282228.2); c.557G>A, p.Arg186Gln (NM_001282229.2); c.194G>A, p.Arg65Gln (NM_177405.3); short protein forms R264Q, R186Q, R65Q, R306Q.
Identifiers: ClinVar variation 1436425 (VCV001436425.7), dbSNP rs768927379, ClinGen allele CA10088049.